The following is an entry in ClinVar:

ClinVar aggregate classification (germline): Conflicting classifications of pathogenicity. Review status: criteria provided, conflicting classifications (1 of 4 stars). 5 submissions from 5 submitters: Uncertain significance (2); Likely benign (2). 1 of the submissions does not count toward it. Last evaluated 2025-12-16.

Conditions:
APOB-related disorder. Also called: APOB-related condition; APOB-related disorders.
Hypercholesterolemia, autosomal dominant, type B (FHCL2). Also called: APOB-Related Familial Hypercholesterolemia, Autosomal Dominant; Hyperlipoproteinemia Type IIb; Familial Hypercholesterolemia Type B; APOLIPOPROTEIN B-100, FAMILIAL DEFECTIVE; APOLIPOPROTEIN B-100, FAMILIAL LIGAND-DEFECTIVE; HYPERCHOLESTEROLEMIA, FAMILIAL, DUE TO LIGAND-DEFECTIVE APOLIPOPROTEIN B. Identifiers: MedGen C1704417, MONDO:0007751, OMIM 144010.
Familial hypobetalipoproteinemia 1. Also called: Hypobetalipoproteinemia, normotriglyceridemic; Acanthocytosis with hypobetalipoproteinemia; APOB-Related Familial Hypobetalipoproteinemia. Identifiers: MedGen C4551990, MONDO:0014252, OMIM 615558.
Cardiovascular phenotype. Identifiers: MedGen CN230736.

Allele frequency attached by ClinVar (database versions not stated): gnomAD exomes 0.00012 and 0.00005; ExAC 0.00010; ESP Exome Variant Server 0.00023; gnomAD 0.00033 and 0.00034; TOPMed 0.00038; 1000 Genomes Project 0.00060; 1000 Genomes Project 30x 0.00062.
gnomAD v4.1: 124 of 1,614,054 alleles (0.0077%); highest among the groups gnomAD compares: African/African-American, 0.11%; no homozygotes.

Submissions (5):

GeneDx
Classification: Uncertain significance. Last evaluated: 2025-12-16. Review status: criteria provided, single submitter. Criteria: GeneDx Variant Classification Process June 2021. Collection method: clinical testing. Allele origin: germline. Affected: yes.
Comment: In silico analysis supports that this missense variant has a deleterious effect on protein structure/function; Identified in at least one individual in the Insulin Resistance Atherosclerosis Family Study (IRASFS) cohort and in an individual from a cohort of individuals with dyslipidemia and metabolic disorders (PMID: 24719370, 32041611); This variant is associated with the following publications: (PMID: 24719370, 32041611)

Labcorp Genetics (formerly Invitae), Labcorp
Classification: Likely benign for Familial hypobetalipoproteinemia 1; Hypercholesterolemia, autosomal dominant, type B. Last evaluated: 2025-12-02. Review status: criteria provided, single submitter. Criteria: Invitae Variant Classification Sherloc (09022015). Collection method: clinical testing. Allele origin: germline.

Quest Diagnostics Nichols Institute San Juan Capistrano
Classification: Uncertain significance. Last evaluated: 2025-04-11. Review status: criteria provided, single submitter. Criteria: Quest Diagnostics criteria. Collection method: clinical testing. Allele origin: unknown.
Comment: The APOB c.11720A>G (p.Asp3907Gly) variant has been reported in individual(s) from the Insulin Resistance Atherosclerosis Family Study (PMID: 24719370 (2014)). The frequency of this variant in the general population (Genome Aggregation Database) is higher than would generally be expected for pathogenic variants in this gene. Analysis of this variant using bioinformatics tools for the prediction of the effect of amino acid changes on protein structure and function yielded conflicting predictions that this variant is benign or damaging. Based on the available information, we are unable to determine the clinical significance of this variant.

Ambry Genetics
Classification: Likely benign for Cardiovascular phenotype. Last evaluated: 2022-12-20. Review status: criteria provided, single submitter. Criteria: Ambry Variant Classification Scheme 2023. Collection method: clinical testing. Allele origin: germline.

PreventionGenetics, part of Exact Sciences
Classification: Uncertain significance for APOB-related condition. Last evaluated: 2024-08-21. Review status: no assertion criteria provided. Collection method: clinical testing. Allele origin: germline. Not counted in ClinVar's aggregate classification.
Comment: The APOB c.11720A>G variant is predicted to result in the amino acid substitution p.Asp3907Gly. To our knowledge, this variant has not been reported in the literature. This variant is reported in 0.14% of alleles in individuals of African descent in gnomAD, which may be too common to be an undocumented cause of disease. Although we suspect that this variant may be benign, at this time, the clinical significance of this variant is uncertain due to the absence of conclusive functional and genetic evidence.

Literature cited by the submitters: PubMed 24719370 (cited by Quest Diagnostics Nichols Institute San Juan Capistrano).

NM_000384.3(APOB):c.11720A>G (p.Asp3907Gly)

Gene: APOB (apolipoprotein B; minus strand). Cytogenetic location: 2p24.1.
Variant type: single nucleotide variant.
Coding change: c.11720A>G on transcript NM_000384.3 (MANE Select); coding-DNA position 11720, A replaced by G.
Protein change: p.Asp3907Gly; replaces aspartic acid 3907 with glycine.
Molecular consequence: missense variant.
Genome position (GRCh38, 1-based): chr2:21,005,148, T>C on the plus strand (A>G on the coding strand, the complement: APOB is on the minus strand). VCF-style: chr2-21005148-T-C. GRCh37 (hg19) VCF-style: chr2-21228020-T-C.
Other names: short protein forms D3907G.
Identifiers: ClinVar variation 477793 (VCV000477793.29), dbSNP rs61746686, ClinGen allele CA047187.
Genomic context (GRCh38, chr2:21,005,148, plus strand): 5'-TCATATTCTAGGAACTGTACGGTTGAGCTGCATGTGGAATCCAGGACTGTTTCAACATAA[T>C]CTGCTTTGTTTTTCAAACTGGCACTCCAAGTGGCATTATACACGGGAGAGTCTACCTCAA-3'
Protein context (NP_000375.3, residues 3897-3917): TWSASLKNKA[Asp3907Gly]YVETVLDSTC